The following is an entry in ClinVar:

ClinVar aggregate classification (germline): Conflicting classifications of pathogenicity. Review status: criteria provided, conflicting classifications (1 of 4 stars). 12 submissions from 7 submitters: Uncertain significance (2); Benign (4); Likely benign (3). 3 of the submissions do not count toward it. Last evaluated 2026-01-26.

Conditions:
RET-related disorder. Also called: RET-related condition; RET-related disease; RET-related disorders.
Multiple endocrine neoplasia type 2B. Also called: WAGENMANN-FROBOESE SYNDROME; MULTIPLE ENDOCRINE NEOPLASIA, TYPE III; MULTIPLE ENDOCRINE NEOPLASIA, TYPE IIB; MEN IIB; NEUROMATA, MUCOSAL, WITH ENDOCRINE TUMORS; MEN 2B. Identifiers: Orphanet 247709, Orphanet 653, MedGen C0025269, MeSH D018814, MONDO:0008082, OMIM 162300.
Pheochromocytoma. Also called: MAX-Related Hereditary Paraganglioma-Pheochromocytoma Syndrome. Identifiers: Orphanet 29072, MedGen C0031511, MONDO:0008233, OMIM 171300, HP:0002666.
Hirschsprung disease, susceptibility to, 1 (HSCR1). Also called: RET-Related Hirschsprung Disease. Identifiers: Orphanet 388, MedGen C3888239, MONDO:0007723, OMIM 142623.
Multiple endocrine neoplasia type 2A. Also called: Multiple Endocrine Neoplasia Type 2A (MEN2A); MULTIPLE ENDOCRINE NEOPLASIA, TYPE IIA; PTC SYNDROME; SIPPLE SYNDROME; MEN 2A; MEN-2A syndrome. Identifiers: Orphanet 247698, Orphanet 653, MedGen C0025268, MeSH D018813, MONDO:0008234, OMIM 171400.
Multiple endocrine neoplasia. Identifiers: Orphanet 276161, MedGen C0027662, MONDO:0017169.
Multiple endocrine neoplasia, type 2 (MEN2). Identifiers: Orphanet 653, MedGen C4048306, MONDO:0019003. Disease mechanism: gain of function.
Renal hypodysplasia/aplasia 1 (RHDA1). Also called: RENAL APLASIA; HEREDITARY RENAL APLASIA. Identifiers: Orphanet 411709, MedGen C1619700, MONDO:0024519, OMIM 191830.

Allele frequency attached by ClinVar (database versions not stated): gnomAD 0.00008 and 0.00009; TOPMed 0.00011; ESP Exome Variant Server 0.00015; ExAC 0.00025.
gnomAD v4.1: 341 of 1,612,328 alleles (0.021%); highest among the groups gnomAD compares: Middle Eastern, 0.099%; 1 homozygote.

Submissions (12):

Labcorp Genetics (formerly Invitae), Labcorp
Classification: Benign for Multiple endocrine neoplasia, type 2. Last evaluated: 2026-01-26. Review status: criteria provided, single submitter. Criteria: Invitae Variant Classification Sherloc (09022015). Collection method: clinical testing. Allele origin: germline.

KCCC/NGS Laboratory, Kuwait Cancer Control Center
Classification: Benign for Pheochromocytoma. Last evaluated: 2025-02-01. Review status: criteria provided, single submitter. Criteria: ACMG Guidelines, 2015. Collection method: clinical testing. Allele origin: germline. Affected: no.

Blueprint Genetics
Classification: Likely benign. Last evaluated: 2024-11-15. Review status: criteria provided, single submitter. Criteria: ACMG Guidelines, 2015. Collection method: clinical testing. Allele origin: germline.

Genomic Medicine Center of Excellence, King Faisal Specialist Hospital and Research Centre
Classification: Likely benign for Hirschsprung disease, susceptibility to, 1. Last evaluated: 2024-03-29. Review status: criteria provided, single submitter. Criteria: ACMG Guidelines, 2015. Collection method: clinical testing. Allele origin: germline.

KCCC/NGS Laboratory, Kuwait Cancer Control Center
Classification: Likely benign for Multiple endocrine neoplasia type 2B. Last evaluated: 2023-07-07. Review status: criteria provided, single submitter. Criteria: ACMG Guidelines, 2015. Collection method: clinical testing. Allele origin: germline. Affected: yes.

Illumina Laboratory Services, Illumina
Classification: Uncertain significance for Renal hypodysplasia/aplasia 1. Last evaluated: 2018-01-13. Review status: criteria provided, single submitter. Criteria: ICSL Variant Classification Criteria 13 December 2019. Collection method: clinical testing. Allele origin: germline.

Illumina Laboratory Services, Illumina
Classification: Benign for Multiple endocrine neoplasia. Last evaluated: 2018-01-13. Review status: criteria provided, single submitter. Criteria: ICSL Variant Classification Criteria 13 December 2019. Collection method: clinical testing. Allele origin: germline.
Comment: This variant was observed in the ICSL laboratory as part of a predisposition screen in an ostensibly healthy population. It had not been previously curated by ICSL or reported in the Human Gene Mutation Database (HGMD: prior to June 1st, 2018), and was therefore a candidate for classification through an automated scoring system. Utilizing variant allele frequency, disease prevalence and penetrance estimates, and inheritance mode, an automated score was calculated to assess if this variant is too frequent to cause the disease. Based on the score and internal cut-off values, a variant classified as benign is not then subjected to further curation. The score for this variant resulted in a classification of benign for this disease.

Illumina Laboratory Services, Illumina
Classification: Benign for Pheochromocytoma. Last evaluated: 2018-01-13. Review status: criteria provided, single submitter. Criteria: ICSL Variant Classification Criteria 13 December 2019. Collection method: clinical testing. Allele origin: germline.
Comment: the same text as in the submission from Illumina Laboratory Services, Illumina above.

Illumina Laboratory Services, Illumina
Classification: Uncertain significance for Hirschsprung disease, susceptibility to, 1. Last evaluated: 2018-01-13. Review status: criteria provided, single submitter. Criteria: ICSL Variant Classification Criteria 13 December 2019. Collection method: clinical testing. Allele origin: germline.

PreventionGenetics, part of Exact Sciences
Classification: Likely benign for RET-related condition. Last evaluated: 2021-03-02. Review status: no assertion criteria provided. Collection method: clinical testing. Allele origin: germline. Not counted in ClinVar's aggregate classification.
Comment: This variant is classified as likely benign based on ACMG/AMP sequence variant interpretation guidelines (Richards et al. 2015 PMID: 25741868, with internal and published modifications).

Counsyl
Classification: Likely benign for Multiple endocrine neoplasia type 2B. Last evaluated: 2016-08-29. Review status: no assertion criteria provided. Collection method: clinical testing. Allele origin: unknown. Not counted in ClinVar's aggregate classification.

Counsyl
Classification: Likely benign for Multiple endocrine neoplasia type 2A. Last evaluated: 2016-08-29. Review status: no assertion criteria provided. Collection method: clinical testing. Allele origin: unknown. Not counted in ClinVar's aggregate classification.

NM_020975.6(RET):c.1879+13C>T

Gene: RET (ret proto-oncogene; plus strand). Cytogenetic location: 10q11.21.
Variant type: single nucleotide variant.
Coding change: c.1879+13C>T on transcript NM_020975.6 (MANE Select); 13 bases into the intron after coding-DNA position 1879, C replaced by T.
Molecular consequence: intron variant.
Genome position (GRCh38, 1-based): chr10:43,113,688, C>T. VCF-style: chr10-43113688-C-T. GRCh37 (hg19) VCF-style: chr10-43609136-C-T.
Other names: c.1879+13C>T (NM_020630.7, NM_001406743.1, NM_001406744.1 and 4 more transcripts); c.1483+13C>T (NM_001406772.1, NM_001406769.1); c.1441+13C>T (NM_001406773.1, NM_001406771.1); c.982+13C>T (NM_001406782.1, NM_001406780.1, NM_001406779.1 and 2 more transcripts); c.862+725C>T (NM_001406785.1); c.1750+13C>T (NM_001406764.1, NM_001406762.1, NM_001406761.1 and 1 more transcripts); c.1354+13C>T (NM_001406774.1); c.853+13C>T (NM_001406786.1, NM_001406783.1); and 7 more.
Identifiers: ClinVar variation 372091 (VCV000372091.22), dbSNP rs375573788, ClinGen allele CA035950.
Genomic context (GRCh38, chr10:43,113,688, plus strand): 5'-GCTTCCCTGAGGAGGAGAAGTGCTTCTGCGAGCCCGAAGACATCCAGGGTGAGTGGGTGG[C>T]GGCCGGGACCACCACCACCTCCCAGCCCCACAGAGGTCTCAACAGCACATCTGAGGTCCC-3'